The following is an entry in ClinVar:

NM_001358530.2(MOCS1):c.200G>C (p.Arg67Pro)

Gene: MOCS1 (molybdenum cofactor synthesis 1; minus strand). Cytogenetic location: 6p21.2.
Variant type: single nucleotide variant.
Coding change: c.200G>C on transcript NM_001358530.2 (MANE Select); coding-DNA position 200, G replaced by C.
Protein change: p.Arg67Pro; replaces arginine 67 with proline.
Molecular consequence: missense variant. On other transcripts: 5 prime UTR variant (1), intron variant (2).
Genome position (GRCh38, 1-based): chr6:39,927,379, C>G on the plus strand (G>C on the coding strand, the complement: MOCS1 is on the minus strand). VCF-style: chr6-39927379-C-G. GRCh37 (hg19) VCF-style: chr6-39895118-C-G.
Other names: c.200G>C, p.Arg67Pro (NM_001075098.4, NM_001358529.2, NM_005943.6); c.-62G>C (NM_001358534.2); c.-11-1534G>C (NM_001358531.2, NM_001358533.2); short protein forms R67P.
Identifiers: ClinVar variation 3362857 (VCV003362857.3).
Genomic context (GRCh38, chr6:39,927,379, plus strand): 5'-GGTGACTCACATCTGAGGTTGCACTTCTCTGTGAGGGAGATCCGCAGGTAGCTGTGCTGC[C>G]GGCCGAAGCTGTCTGTGAGGAAGGCGGAGAAGGGGGCCGCATGCTCCCGCAGGAACTGCC-3'
Protein context (NP_001345459.1, residues 57-77): FSAFLTDSFG[Arg67Pro]QHSYLRISLT

ClinVar aggregate classification (germline): Uncertain significance (1 of 4 stars; one submission).

Conditions:
Sulfite oxidase deficiency due to molybdenum cofactor deficiency type A. Also called: Molybdenum cofactor deficiency, complementation group A; Molybdenum Cofactor Deficiency A. Identifiers: Orphanet 308386, Orphanet 833, MedGen C1854988, MONDO:0009643, OMIM 252150.

gnomAD v4.1: 1 of 1,612,650 alleles (0.000062%); highest among the groups gnomAD compares: South Asian, 0.0011%; no homozygotes.

Submission:

Neuberg Centre For Genomic Medicine, NCGM
Classification: Uncertain significance for Sulfite oxidase deficiency due to molybdenum cofactor deficiency type A. Review status: criteria provided, single submitter. Criteria: ACMG Guidelines, 2015. Collection method: clinical testing. Allele origin: germline. Inheritance: Autosomal recessive inheritance. Affected: yes.
Comment: The observed missense c.200G>C(p.Arg67Pro) variant in MOCS1 gene has not been reported previously as a pathogenic variant nor as a benign variant, to our knowledge. The p.Arg67Pro variant is absent in gnomAD Exomes database. This variant has not been submitted to the ClinVar database. Multiple lines of computational evidence (Polyphen - probably damaging , SIFT - damaging and MutationTaster - disease causing) predict a damaging effect on protein structure and function for this variant. The reference amino acid in MOCS1 is predicted as conserved by GERP++ and PhyloP across 100 vertebrates. The amino acid Arg at position 67 is changed to a Pro changing protein sequence and it might alter its composition and physico-chemical properties. For these reasons, this variant has been classified as Uncertain Significance (VUS).